The following is an entry in ClinVar:

NM_001244008.2(KIF1A):c.864+6T>C

Gene: KIF1A (kinesin family member 1A; minus strand). Cytogenetic location: 2q37.3.
Variant type: single nucleotide variant.
Coding change: c.864+6T>C on transcript NM_001244008.2 (MANE Select); 6 bases into the intron after coding-DNA position 864, T replaced by C.
Molecular consequence: intron variant.
Genome position (GRCh38, 1-based): chr2:240,783,038, A>G on the plus strand (T>C on the coding strand, the complement: KIF1A is on the minus strand). VCF-style: chr2-240783038-A-G. GRCh37 (hg19) VCF-style: chr2-241722455-A-G.
Other names: c.864+6T>C (NM_001379653.1, NM_001379650.1, NM_001379645.1 and 20 more transcripts).
Identifiers: ClinVar variation 3760440 (VCV003760440.2).

ClinVar aggregate classification (germline): Uncertain significance (1 of 4 stars; one submission).

Conditions:
Neuropathy, hereditary sensory, type 2C. Also called: KIF1A-Related HSAN2 (HSAN2C); Hereditary sensory and autonomic neuropathy type IIC. Identifiers: Orphanet 970, MedGen C3280168, MONDO:0013634, OMIM 614213.
Hereditary spastic paraplegia 30. Identifiers: Orphanet 101010, MedGen C5235139, MONDO:0012476.
Intellectual disability, autosomal dominant 9 (NESCAVS). Also called: KIF1A-Related Neurodevelopmental Disorder; NESCAV SYNDROME. Identifiers: Orphanet 662367, MedGen C5393830, MONDO:0013656, OMIM 614255.

Submission:

Labcorp Genetics (formerly Invitae), Labcorp
Classification: Uncertain significance for Hereditary spastic paraplegia 30; Neuropathy, hereditary sensory, type 2C; Intellectual disability, autosomal dominant 9. Last evaluated: 2025-01-27. Review status: criteria provided, single submitter. Criteria: Invitae Variant Classification Sherloc (09022015). Collection method: clinical testing. Allele origin: germline.
Comment: This sequence change falls in intron 8 of the KIF1A gene. It does not directly change the encoded amino acid sequence of the KIF1A protein. It affects a nucleotide within the consensus splice site. This variant is not present in population databases (gnomAD no frequency). This variant has not been reported in the literature in individuals affected with KIF1A-related conditions. Variants that disrupt the consensus splice site are a relatively common cause of aberrant splicing (PMID: 17576681, 9536098). Algorithms developed to predict the effect of sequence changes on RNA splicing suggest that this variant is not likely to affect RNA splicing. In summary, the available evidence is currently insufficient to determine the role of this variant in disease. Therefore, it has been classified as a Variant of Uncertain Significance.

Literature cited by the submitters: PubMed 17576681; PubMed 9536098.